The following is an entry in ClinVar:

NC_000002.11:g.(?_138722042)_(138722199_138727734)del

Gene: HNMT (histamine N-methyltransferase; plus strand). Cytogenetic location: 2q22.1.
Variant type: Deletion.
Identifiers: ClinVar variation 3251876 (VCV003251876.1).

ClinVar aggregate classification (germline): Pathogenic (1 of 4 stars; one submission).

Conditions:
HNMT-Related Disorders.

Submission:

Women's Health and Genetics/Laboratory Corporation of America, LabCorp
Classification: Pathogenic for HNMT-Related Disorders. Last evaluated: 2024-04-18. Review status: criteria provided, single submitter. Criteria: LabCorp Variant Classification Summary - May 2015. Collection method: clinical testing. Allele origin: germline.
Comment: Variant summary: The variant involves the deletion of exon 1 in the HNMT gene. A presumed nomenclature of c.(?_-20)_(137+1_138-1)del has been designated for the purposes of this classification. The exact breakpoint at the 5' end of this variant is unknown, therefore this deletion may extend upstream of the annotated region of this gene. Although the exact breakpoints of this deletion are not known, it is predicted to remove the initiation codon and result in an absence of protein or a truncation of the encoded protein due to translation initiation at a downstream site. The variant was absent in 21694 control chromosomes in the gnomAD database (Structural Variants v2.1 dataset). To our knowledge, no occurrence of c.(?_-20)_(137+1_138-1)del in individuals affected with HNMT-Related Disorders and no experimental evidence demonstrating its impact on protein function have been reported. No submitters have cited clinical-significance assessments for this variant to ClinVar. Based on the evidence outlined above, the variant was classified as pathogenic.